The following is an entry in ClinVar:

ClinVar aggregate classification (germline): Likely benign (0 of 4 stars; one submission).

Conditions:
ZFHX3-related disorder. Also called: ZFHX3-related condition.

Allele frequency attached by ClinVar (database versions not stated): gnomAD exomes below 0.00001; TOPMed 0.00001.
gnomAD v4.1: 4 of 1,614,138 alleles (0.00025%); highest among the groups gnomAD compares: Middle Eastern, 0.016%; no homozygotes.

Submission:

PreventionGenetics, part of Exact Sciences
Classification: Likely benign for ZFHX3-related condition. Last evaluated: 2019-05-24. Review status: no assertion criteria provided. Collection method: clinical testing. Allele origin: germline.
Comment: This variant is classified as likely benign based on ACMG/AMP sequence variant interpretation guidelines (Richards et al. 2015 PMID: 25741868, with internal and published modifications).

NM_006885.4(ZFHX3):c.4806T>C (p.Asn1602=)

Genes: ZFHX3 (zinc finger homeobox 3; minus strand), ZFHX3-AS1 (ZFHX3 antisense RNA 1; plus strand). Cytogenetic location: 16q22.2.
Variant type: single nucleotide variant.
Coding change: c.4806T>C on transcript NM_006885.4 (MANE Select); coding-DNA position 4806, T replaced by C.
Protein change: p.Asn1602=; no amino-acid change (asparagine 1602 retained).
Molecular consequence: synonymous variant.
Genome position (GRCh38, 1-based): chr16:72,797,876, A>G on the plus strand (T>C on the coding strand, the complement: ZFHX3 is on the minus strand). VCF-style: chr16-72797876-A-G. GRCh37 (hg19) VCF-style: chr16-72831775-A-G.
Other names: c.2064T>C, p.Asn688= (NM_001164766.2); c.4806T>C, p.Asn1602= (NM_001386735.1).
Identifiers: ClinVar variation 3038667 (VCV003038667.2), dbSNP rs1597243938, ClinGen allele CA496420422.